The following is an entry in ClinVar:

ClinVar aggregate classification (germline): Uncertain significance (1 of 4 stars; one submission).

Allele frequency attached by ClinVar (database versions not stated): gnomAD exomes below 0.00001; TOPMed 0.00007.
gnomAD v4.1: 11 of 1,613,844 alleles (0.00068%); highest among the groups gnomAD compares: African/African-American, 0.0013%; 1 homozygote.

Submission:

GeneDx
Classification: Uncertain significance. Last evaluated: 2022-05-10. Review status: criteria provided, single submitter. Criteria: GeneDx Variant Classification Process June 2021. Collection method: clinical testing. Allele origin: germline. Affected: yes.
Comment: Not observed at significant frequency in large population cohorts (gnomAD); In silico analysis supports that this missense variant does not alter protein structure/function; Has not been previously published as pathogenic or benign to our knowledge

NM_018263.6(ASXL2):c.1438A>G (p.Ile480Val)

Gene: ASXL2 (ASXL transcriptional regulator 2; minus strand). Cytogenetic location: 2p23.3.
Variant type: single nucleotide variant.
Coding change: c.1438A>G on transcript NM_018263.6 (MANE Select); coding-DNA position 1438, A replaced by G.
Protein change: p.Ile480Val; replaces isoleucine 480 with valine.
Molecular consequence: missense variant.
Genome position (GRCh38, 1-based): chr2:25,750,118, T>C on the plus strand (A>G on the coding strand, the complement: ASXL2 is on the minus strand). VCF-style: chr2-25750118-T-C. GRCh37 (hg19) VCF-style: chr2-25972987-T-C.
Other names: c.1264A>G, p.Ile422Val (NM_001369346.1); c.658A>G, p.Ile220Val (NM_001369347.1); short protein forms I220V, I422V, I480V.
Identifiers: ClinVar variation 1723752 (VCV001723752.2), dbSNP rs1008022229, ClinGen allele CA43704582.